The following is an entry in ClinVar:

NM_000038.6(APC):c.423-19_423-17del

Gene: APC (APC regulator of Wnt signaling pathway; plus strand). Cytogenetic location: 5q22.2.
Variant type: Deletion.
Coding change: c.423-19_423-17del on transcript NM_000038.6 (MANE Select); 19 bases into the intron before coding-DNA position 423 through 17 bases into the intron before coding-DNA position 423, 3 bases deleted (TTT; older notation c.423-19_423-17delTTT).
Molecular consequence: intron variant.
Genome position (GRCh38, 1-based): chr5:112,775,610-112,775,612, TTT deleted; deleting any 3 consecutive bases within chr5:112,775,606-112,775,612 gives the same sequence; the c. name uses the placement nearest the transcript's 3' end. VCF-style (leftmost placement, unchanged base first): chr5-112775605-CTTT-C. GRCh37 (hg19) VCF-style: chr5-112111302-CTTT-C.
Other names: c.-613-19_-613-17del (NM_001407470.1, NM_001407472.1, NM_001354906.2 and 1 more transcripts); c.423-19_423-17del (NM_001407447.1, NM_001354895.2, NM_001407456.1 and 16 more transcripts); c.453-19_453-17del (NM_001407446.1, NM_001354897.2, NM_001354902.2 and 1 more transcripts); c.246-19_246-17del (NM_001407453.1, NM_001354900.2, NM_001354901.2 and 1 more transcripts); c.348-19_348-17del (NM_001407451.1, NM_001354898.2, NM_001354904.2).
Identifiers: ClinVar variation 2583310 (VCV002583310.2), dbSNP rs35031194, ClinGen allele CA2582341322.

ClinVar aggregate classification (germline): Likely pathogenic (1 of 4 stars; one submission).

Conditions:
Familial adenomatous polyposis 1 (FAP1). Also called: POLYPOSIS, ADENOMATOUS INTESTINAL; FAMILIAL ADENOMATOUS POLYPOSIS 1, ATTENUATED. Identifiers: MedGen C2713442, MONDO:0021056, OMIM 175100. Disease mechanism: loss of function.

Submission:

Myriad Genetics, Inc.
Classification: Likely pathogenic for Familial adenomatous polyposis 1. Last evaluated: 2023-04-26. Review status: criteria provided, single submitter. Criteria: Myriad Autosomal Dominant, Autosomal Recessive and X-Linked Classification Criteria (2023). Collection method: clinical testing. Allele origin: unknown.
Comment: This variant is considered likely pathogenic. mRNA analysis has demonstrated abnormal mRNA splicing occurs [Myriad internal data].